The following is an entry in ClinVar:

NM_014515.7(CNOT2):c.1280T>C (p.Ile427Thr)

Gene: CNOT2 (CCR4-NOT transcription complex subunit 2; plus strand). Cytogenetic location: 12q15.
Variant type: single nucleotide variant.
Coding change: c.1280T>C on transcript NM_014515.7 (MANE Select); coding-DNA position 1280, T replaced by C.
Protein change: p.Ile427Thr; replaces isoleucine 427 with threonine.
Molecular consequence: missense variant. On other transcripts: non-coding transcript variant (1).
Genome position (GRCh38, 1-based): chr12:70,342,297, T>C. VCF-style: chr12-70342297-T-C. GRCh37 (hg19) VCF-style: chr12-70736077-T-C.
Other names: c.1280T>C, p.Ile427Thr (NM_001199302.2, NM_001199303.2, NM_001414651.1 and 1 more transcripts); c.1253T>C, p.Ile418Thr (NM_001414653.1, NM_001414654.1, NM_001414655.1); c.1238T>C, p.Ile413Thr (NM_001414656.1); c.1220T>C, p.Ile407Thr (NM_001414657.1, NM_001414658.1, NM_001414659.1 and 1 more transcripts); c.1157T>C, p.Ile386Thr (NM_001414661.1); c.1097T>C, p.Ile366Thr (NM_001414662.1); short protein forms I366T, I386T, I407T, I413T, I418T, I427T.
Identifiers: ClinVar variation 4282022 (VCV004282022.1).

ClinVar aggregate classification (germline): Uncertain significance (1 of 4 stars; one submission).

Submission:

GeneDx
Classification: Uncertain significance. Last evaluated: 2025-04-16. Review status: criteria provided, single submitter. Criteria: GeneDx Variant Classification Process June 2021. Collection method: clinical testing. Allele origin: germline. Affected: yes.
Comment: Not observed at significant frequency in large population cohorts (gnomAD); In silico analysis supports that this missense variant has a deleterious effect on protein structure/function; Has not been previously published as pathogenic or benign to our knowledge